The following is an entry in ClinVar:

NM_006206.6(PDGFRA):c.3120C>G (p.His1040Gln)

Gene: PDGFRA (platelet derived growth factor receptor alpha; plus strand). Cytogenetic location: 4q12.
Variant type: single nucleotide variant.
Coding change: c.3120C>G on transcript NM_006206.6 (MANE Select); coding-DNA position 3120, C replaced by G.
Protein change: p.His1040Gln; replaces histidine 1040 with glutamine.
Molecular consequence: missense variant.
Genome position (GRCh38, 1-based): chr4:54,290,552, C>G. VCF-style: chr4-54290552-C-G. GRCh37 (hg19) VCF-style: chr4-55156719-C-G.
Other names: c.3195C>G, p.His1065Gln (NM_001347828.2); c.3120C>G, p.His1040Gln (NM_001347829.2); c.3159C>G, p.His1053Gln (NM_001347830.2); c.3120C>G (NM_006206.4); short protein forms H1065Q, H1040Q, H1053Q.
Identifiers: ClinVar variation 1382421 (VCV001382421.7), dbSNP rs961168177, ClinGen allele CA96830275.

ClinVar aggregate classification (germline): Uncertain significance. Review status: criteria provided, multiple submitters, no conflicts (2 of 4 stars). 2 submissions from 2 submitters: Uncertain significance (2). Last evaluated 2026-07-20.

Conditions:
Hereditary cancer-predisposing syndrome. Also called: Hereditary Cancer Syndrome; Neoplastic Syndromes, Hereditary; Hereditary neoplastic syndrome; Tumor predisposition. Identifiers: Orphanet 140162, MedGen C0027672, MeSH D009386, MONDO:0015356.
Gastrointestinal stromal tumor. Also called: Gastrointestinal stromal tumor, somatic; Gastrointestinal stroma tumor. Identifiers: Orphanet 44890, MedGen C0238198, MeSH D046152, MONDO:0011719, OMIM 606764, HP:0100723.

Submissions (2):

Ambry Genetics
Classification: Uncertain significance for Hereditary cancer-predisposing syndrome. Last evaluated: 2026-07-20. Review status: criteria provided, single submitter. Criteria: Ambry Variant Classification Scheme 2023. Collection method: clinical testing. Allele origin: germline.
Comment: The p.H1040Q variant (also known as c.3120C>G), located in coding exon 21 of the PDGFRA gene, results from a C to G substitution at nucleotide position 3120. The histidine at codon 1040 is replaced by glutamine, an amino acid with highly similar properties. This amino acid position is conserved. In addition, the in silico prediction for this alteration is inconclusive. Based on the available evidence, the clinical significance of this variant remains unclear.

Labcorp Genetics (formerly Invitae), Labcorp
Classification: Uncertain significance for Gastrointestinal stromal tumor. Last evaluated: 2021-09-20. Review status: criteria provided, single submitter. Criteria: Invitae Variant Classification Sherloc (09022015). Collection method: clinical testing. Allele origin: germline.
Comment: This sequence change replaces histidine with glutamine at codon 1040 of the PDGFRA protein (p.His1040Gln). The histidine residue is highly conserved and there is a small physicochemical difference between histidine and glutamine. This variant is not present in population databases (ExAC no frequency). This variant has not been reported in the literature in individuals affected with PDGFRA-related conditions. Algorithms developed to predict the effect of missense changes on protein structure and function are either unavailable or do not agree on the potential impact of this missense change (SIFT: "Deleterious"; PolyPhen-2: "Probably Damaging"; Align-GVGD: "Class C0"). In summary, the available evidence is currently insufficient to determine the role of this variant in disease. Therefore, it has been classified as a Variant of Uncertain Significance.